The following is an entry in ClinVar:

NM_000719.7(CACNA1C):c.857G>C (p.Gly286Ala)

Gene: CACNA1C (calcium voltage-gated channel subunit alpha1 C; plus strand). Cytogenetic location: 12p13.33.
Variant type: single nucleotide variant.
Coding change: c.857G>C on transcript NM_000719.7 (MANE Select); coding-DNA position 857, G replaced by C.
Protein change: p.Gly286Ala; replaces glycine 286 with alanine.
Molecular consequence: missense variant.
Genome position (GRCh38, 1-based): chr12:2,486,203, G>C. VCF-style: chr12-2486203-G-C. GRCh37 (hg19) VCF-style: chr12-2595369-G-C.
Other names: c.857G>C, p.Gly286Ala (NM_001129827.2, NM_001129829.2, NM_001129830.3 and 19 more transcripts); short protein forms G286A.
Identifiers: ClinVar variation 2088029 (VCV002088029.4), dbSNP rs2502992186, ClinGen allele CA383369464.

ClinVar aggregate classification (germline): Uncertain significance (1 of 4 stars; one submission).

Conditions:
Long QT syndrome (LQTS). Identifiers: MedGen C0023976, MeSH D008133, MONDO:0002442. Disease mechanism: loss of function. Inheritance: Various modes of inheritance.

Submission:

Labcorp Genetics (formerly Invitae), Labcorp
Classification: Uncertain significance for Long QT syndrome. Last evaluated: 2022-01-19. Review status: criteria provided, single submitter. Criteria: Invitae Variant Classification Sherloc (09022015). Collection method: clinical testing. Allele origin: germline.
Comment: In summary, the available evidence is currently insufficient to determine the role of this variant in disease. Therefore, it has been classified as a Variant of Uncertain Significance. Algorithms developed to predict the effect of missense changes on protein structure and function are either unavailable or do not agree on the potential impact of this missense change (SIFT: "Deleterious"; PolyPhen-2: "Possibly Damaging"; Align-GVGD: "Class C0"). This variant has not been reported in the literature in individuals affected with CACNA1C-related conditions. This variant is not present in population databases (gnomAD no frequency). This sequence change replaces glycine, which is neutral and non-polar, with alanine, which is neutral and non-polar, at codon 286 of the CACNA1C protein (p.Gly286Ala).